The following is an entry in ClinVar:

NM_005477.3(HCN4):c.3406G>A (p.Gly1136Ser)

Gene: HCN4 (hyperpolarization activated cyclic nucleotide gated potassium channel 4; minus strand). Cytogenetic location: 15q24.1.
Variant type: single nucleotide variant.
Coding change: c.3406G>A on transcript NM_005477.3 (MANE Select); coding-DNA position 3406, G replaced by A.
Protein change: p.Gly1136Ser; replaces glycine 1136 with serine.
Molecular consequence: missense variant.
Genome position (GRCh38, 1-based): chr15:73,322,687, C>T on the plus strand (G>A on the coding strand, the complement: HCN4 is on the minus strand). VCF-style: chr15-73322687-C-T. GRCh37 (hg19) VCF-style: chr15-73615028-C-T.
Other names: short protein forms G1136S.
Identifiers: ClinVar variation 538091 (VCV000538091.12), dbSNP rs761421530, ClinGen allele CA7648830.

ClinVar aggregate classification (germline): Conflicting classifications of pathogenicity. Review status: criteria provided, conflicting classifications (1 of 4 stars). 3 submissions from 3 submitters: Uncertain significance (2); Likely benign (1). Last evaluated 2025-01-01.

Conditions:
Brugada syndrome 8 (BRGDA8). Identifiers: Orphanet 130, MedGen C2751083, MONDO:0013148, OMIM 613123.
Cardiovascular phenotype. Identifiers: MedGen CN230736.

Allele frequency attached by ClinVar (database versions not stated): gnomAD below 0.00001 and 0.00001; TOPMed 0.00002; gnomAD exomes 0.00003 and 0.00005; ExAC 0.00016.
gnomAD v4.1: 46 of 1,585,894 alleles (0.0029%); highest among the groups gnomAD compares: Admixed American, 0.0054%; no homozygotes.

Submissions (3):

Ambry Genetics
Classification: Uncertain significance for Cardiovascular phenotype. Last evaluated: 2025-01-01. Review status: criteria provided, single submitter. Criteria: Ambry Variant Classification Scheme 2023. Collection method: clinical testing. Allele origin: germline.

Labcorp Genetics (formerly Invitae), Labcorp
Classification: Uncertain significance for Brugada syndrome 8. Last evaluated: 2024-09-19. Review status: criteria provided, single submitter. Criteria: Invitae Variant Classification Sherloc (09022015). Collection method: clinical testing. Allele origin: germline.
Comment: This sequence change replaces glycine, which is neutral and non-polar, with serine, which is neutral and polar, at codon 1136 of the HCN4 protein (p.Gly1136Ser). This variant is present in population databases (rs761421530, gnomAD 0.01%). This variant has not been reported in the literature in individuals affected with HCN4-related conditions. ClinVar contains an entry for this variant (Variation ID: 538091). Invitae Evidence Modeling of protein sequence and biophysical properties (such as structural, functional, and spatial information, amino acid conservation, physicochemical variation, residue mobility, and thermodynamic stability) indicates that this missense variant is not expected to disrupt HCN4 protein function with a negative predictive value of 80%. In summary, the available evidence is currently insufficient to determine the role of this variant in disease. Therefore, it has been classified as a Variant of Uncertain Significance.

Blueprint Genetics
Classification: Likely benign. Last evaluated: 2022-12-12. Review status: criteria provided, single submitter. Criteria: ACMG Guidelines, 2015. Collection method: clinical testing. Allele origin: germline.